The following is an entry in ClinVar:

ClinVar aggregate classification (germline): Uncertain significance (1 of 4 stars; one submission).

Conditions:
Werner syndrome (WRN). Identifiers: Orphanet 902, MedGen C0043119, MONDO:0010196, OMIM 277700.

Submission:

Labcorp Genetics (formerly Invitae), Labcorp
Classification: Uncertain significance for Werner syndrome. Last evaluated: 2019-09-29. Review status: criteria provided, single submitter. Criteria: Invitae Variant Classification Sherloc (09022015). Collection method: clinical testing. Allele origin: germline.
Comment: In summary, the available evidence is currently insufficient to determine the role of this variant in disease. Therefore, it has been classified as a Variant of Uncertain Significance. Algorithms developed to predict the effect of missense changes on protein structure and function (SIFT, PolyPhen-2, Align-GVGD) all suggest that this variant is likely to be tolerated, but these predictions have not been confirmed by published functional studies and their clinical significance is uncertain. This variant has not been reported in the literature in individuals with WRN-related conditions. This variant is not present in population databases (ExAC no frequency). This sequence change replaces serine with threonine at codon 1002 of the WRN protein (p.Ser1002Thr). The serine residue is weakly conserved and there is a small physicochemical difference between serine and threonine.

NM_000553.6(WRN):c.3005G>C (p.Ser1002Thr)

Gene: WRN (WRN RecQ like helicase; plus strand). Cytogenetic location: 8p12.
Variant type: single nucleotide variant.
Coding change: c.3005G>C on transcript NM_000553.6 (MANE Select); coding-DNA position 3005, G replaced by C.
Protein change: p.Ser1002Thr; replaces serine 1002 with threonine.
Molecular consequence: missense variant.
Genome position (GRCh38, 1-based): chr8:31,141,467, G>C. VCF-style: chr8-31141467-G-C. GRCh37 (hg19) VCF-style: chr8-30998983-G-C.
Other names: short protein forms S1002T.
Identifiers: ClinVar variation 953550 (VCV000953550.5), dbSNP rs1802626569, ClinGen allele CA370921807.